The following is an entry in ClinVar:

ClinVar aggregate classification (germline): Conflicting classifications of pathogenicity. Review status: criteria provided, conflicting classifications (1 of 4 stars). 8 submissions from 8 submitters: Uncertain significance (2); Likely benign (3). 3 of the submissions do not count toward it. Last evaluated 2025-10-14.

Conditions:
HDAC4-related disorder. Also called: HDAC4-related condition.
Inborn genetic diseases. Identifiers: MedGen C0950123, MeSH D030342.
Intellectual disability. Also called: Intellectual developmental disorder; intellectual disabilities; Intellectual functioning disability. Identifiers: MedGen C3714756, MeSH D008607, MONDO:0001071, HP:0001249.

Allele frequency attached by ClinVar (database versions not stated): ExAC 0.00019; 1000 Genomes Project 0.00020; gnomAD 0.00023; gnomAD exomes 0.00025 and 0.00048; TOPMed 0.00025; 1000 Genomes Project 30x 0.00031; ESP Exome Variant Server 0.00031.
gnomAD v4.1: 732 of 1,613,376 alleles (0.045%); highest among the groups gnomAD compares: Non-Finnish European, 0.06%; no homozygotes.

Submissions (8):

Labcorp Genetics (formerly Invitae), Labcorp
Classification: Likely benign. Last evaluated: 2025-10-14. Review status: criteria provided, single submitter. Criteria: Invitae Variant Classification Sherloc (09022015). Collection method: clinical testing. Allele origin: germline.

CeGaT Center for Human Genetics Tuebingen
Classification: Likely benign. Last evaluated: 2025-09-01. Review status: criteria provided, single submitter. Criteria: CeGaT Center For Human Genetics Tuebingen Variant Classification Criteria Version 2. Collection method: clinical testing. Allele origin: germline. Affected: yes. Observed: 2 variant alleles.
Comment: HDAC4: BP4, BS2

PreventionGenetics, part of Exact Sciences
Classification: Likely benign for HDAC4-related condition. Last evaluated: 2024-10-12. Review status: criteria provided, single submitter. Criteria: ACMG Guidelines, 2015. Collection method: clinical testing. Allele origin: germline.
Comment: This variant is classified as likely benign based on ACMG/AMP sequence variant interpretation guidelines (Richards et al. 2015 PMID: 25741868, with internal and published modifications).

GeneDx
Classification: Uncertain significance. Last evaluated: 2024-08-21. Review status: criteria provided, single submitter. Criteria: GeneDx Variant Classification Process June 2021. Collection method: clinical testing. Allele origin: germline. Affected: yes.
Comment: In silico analysis supports that this missense variant has a deleterious effect on protein structure/function; Has not been previously published as pathogenic or benign to our knowledge

Ambry Genetics
Classification: Uncertain significance for Inborn genetic diseases. Last evaluated: 2021-07-21. Review status: criteria provided, single submitter. Criteria: Ambry Variant Classification Scheme 2023. Collection method: clinical testing. Allele origin: germline.

Centre de Biologie Pathologie Génétique, Centre Hospitalier Universitaire de Lille
Classification: Likely benign for Intellectual disability. Last evaluated: 2019-01-01. Review status: no assertion criteria provided. Collection method: clinical testing. Allele origin: inherited. Affected: yes. Not counted in ClinVar's aggregate classification.

Clinical Genetics DNA and cytogenetics Diagnostics Lab, Erasmus MC, Erasmus Medical Center
Classification: Uncertain significance. Review status: no assertion criteria provided. Collection method: clinical testing. Allele origin: germline. Affected: yes. Study: VKGL Data-share Consensus. Not counted in ClinVar's aggregate classification.

Diagnostic Laboratory, Department of Genetics, University Medical Center Groningen
Classification: Uncertain significance. Review status: no assertion criteria provided. Collection method: clinical testing. Allele origin: germline. Affected: yes. Study: VKGL Data-share Consensus. Not counted in ClinVar's aggregate classification.

NM_001378414.1(HDAC4):c.3058C>T (p.Arg1020Cys)

Gene: HDAC4 (histone deacetylase 4; minus strand). Cytogenetic location: 2q37.3.
Variant type: single nucleotide variant.
Coding change: c.3058C>T on transcript NM_001378414.1 (MANE Select); coding-DNA position 3058, C replaced by T.
Protein change: p.Arg1020Cys; replaces arginine 1020 with cysteine.
Molecular consequence: missense variant.
Genome position (GRCh38, 1-based): chr2:239,054,779, G>A on the plus strand (C>T on the coding strand, the complement: HDAC4 is on the minus strand). VCF-style: chr2-239054779-G-A. GRCh37 (hg19) VCF-style: chr2-239976475-G-A.
Other names: c.3058C>T, p.Arg1020Cys (NM_001378415.1); c.3043C>T, p.Arg1015Cys (NM_001378416.1, NM_001378417.1, NM_006037.4); short protein forms R1015C, R1020C.
Identifiers: ClinVar variation 975707 (VCV000975707.38), dbSNP rs201219118, ClinGen allele CA2199057.